The following is an entry in ClinVar:

NM_001165963.4(SCN1A):c.4973C>T (p.Thr1658Met)

Genes: SCN1A (sodium voltage-gated channel alpha subunit 1; minus strand), LOC102724058 (uncharacterized LOC102724058; plus strand). Cytogenetic location: 2q24.3.
Variant type: single nucleotide variant.
Coding change: c.4973C>T on transcript NM_001165963.4 (MANE Select); coding-DNA position 4973, C replaced by T.
Protein change: p.Thr1658Met; replaces threonine 1658 with methionine.
Molecular consequence: missense variant. On other transcripts: non-coding transcript variant (1).
Genome position (GRCh38, 1-based): chr2:165,992,302, G>A on the plus strand (C>T on the coding strand, the complement: SCN1A is on the minus strand). VCF-style: chr2-165992302-G-A. GRCh37 (hg19) VCF-style: chr2-166848812-G-A.
Other names: c.4889C>T, p.Thr1630Met (NM_001165964.3, NM_001353957.2, NM_001353958.2); c.4973C>T, p.Thr1658Met (NM_001202435.3, NM_001353948.2); c.4940C>T, p.Thr1647Met (NM_001353949.2, NM_001353950.2, NM_001353951.2 and 2 more transcripts); c.4937C>T, p.Thr1646Met (NM_001353954.2, NM_001353955.2); c.4886C>T, p.Thr1629Met (NM_001353960.2); c.2531C>T, p.Thr844Met (NM_001353961.2); short protein forms T1647M, T1658M, T844M, T1630M, T1629M, T1646M.
Identifiers: ClinVar variation 68643 (VCV000068643.10), dbSNP rs121917922, ClinGen allele CA285192.

ClinVar aggregate classification (germline): Pathogenic/Likely pathogenic. Review status: criteria provided, multiple submitters, no conflicts (2 of 4 stars). 6 submissions from 6 submitters: Pathogenic (3); Likely pathogenic (2). 1 of the submissions does not count toward it. Last evaluated 2025-05-08.

Conditions:
SCN1A-related disorder. Also called: SCN1A-related conditions; SCN1A-related condition; SCN1A-related disorders.
Severe myoclonic epilepsy in infancy (DRVT). Also called: SEVERE MYOCLONIC EPILEPSY OF INFANCY; Epileptic encephalopathy, early infantile, 6 (Dravet syndrome); DEVELOPMENTAL AND EPILEPTIC ENCEPHALOPATHY 6A; Dravet syndrome; Severe Myoclonic Epilepsy in Infancy (SMEI). Identifiers: Orphanet 33069, MedGen C0751122, MONDO:0100135, OMIM 607208.
Developmental and epileptic encephalopathy 6B. Also called: Developmental and epileptic encephalopathy 6B, non-Dravet. Identifiers: MedGen C5543353, MONDO:0030268, OMIM 619317.
Early-infantile DEE. Also called: Early infantile epileptic encephalopathy; Ohtahara syndrome; Early infantile epileptic encephalopathy with suppression bursts. Identifiers: Orphanet 1934, MedGen C0393706, MONDO:0800491.

Submissions (6):

Variantyx, Inc.
Classification: Likely pathogenic for Developmental and epileptic encephalopathy 6B. Last evaluated: 2025-05-08. Review status: criteria provided, single submitter. Criteria: Variantyx Assertion Criteria 2022. Collection method: clinical testing. Allele origin: germline. Inheritance: Autosomal dominant inheritance. Affected: yes.
Comment: This is a nonsynonymous variant in the SCN1A gene (OMIM: 182389). Pathogenic variants in this gene have been associated with autosomal dominant developmental and epileptic encephalopathy 6B. This variant has been reported in at least 2 unrelated affected individuals (PMID: 31780880, 20522430) (PS4_Moderate). It lies within a known hotspot for pathogenic variants or a well-established critical functional domain of the SCN1A protein (PMID: 32183904) (PM1), and multiple computational algorithms predict a deleterious effect for this variant (REVEL score: 0.941) (PP3). This variant is absent from control populations (PM2). Based on the current evidence, this variant is classified as likely pathogenic for autosomal dominant developmental and epileptic encephalopathy 6B.

Blueprint Genetics
Classification: Pathogenic for SCN1A-related disorders. Last evaluated: 2024-03-18. Review status: criteria provided, single submitter. Criteria: ACMG Guidelines, 2015. Collection method: clinical testing. Allele origin: germline. Affected: yes. Observed: 1 variant allele.

Labcorp Genetics (formerly Invitae), Labcorp
Classification: Pathogenic for Early-infantile DEE. Last evaluated: 2022-01-06. Review status: criteria provided, single submitter. Criteria: Invitae Variant Classification Sherloc (09022015). Collection method: clinical testing. Allele origin: germline.
Comment: For these reasons, this variant has been classified as Pathogenic. This sequence change replaces threonine, which is neutral and polar, with methionine, which is neutral and non-polar, at codon 1658 of the SCN1A protein (p.Thr1658Met). This variant is not present in population databases (gnomAD no frequency). This missense change has been observed in individual(s) with Dravet syndrome (PMID: 18930999, 20522430). ClinVar contains an entry for this variant (Variation ID: 68643). Advanced modeling of protein sequence and biophysical properties (such as structural, functional, and spatial information, amino acid conservation, physicochemical variation, residue mobility, and thermodynamic stability) performed at Invitae indicates that this missense variant is expected to disrupt SCN1A protein function. This variant disrupts the p.Thr1658 amino acid residue in SCN1A. Other variant(s) that disrupt this residue have been observed in individuals with SCN1A-related conditions (PMID: 17561957; Invitae), which suggests that this may be a clinically significant amino acid residue.

NeuroMeGen, Hospital Clinico Santiago de Compostela
Classification: Likely pathogenic for Severe myoclonic epilepsy in infancy. Last evaluated: 2018-01-01. Review status: criteria provided, single submitter. Criteria: ACMG Guidelines, 2015. Collection method: clinical testing. Allele origin: maternal. Affected: yes. Observed: 1 heterozygote.

Center for Bioinformatics, Peking University
Classification: Pathogenic for Dravet syndrome. Last evaluated: 2014-12-20. Review status: criteria provided, single submitter. Criteria: Xu et al. (Hum Mutat. 2015). Collection method: research. Allele origin: inherited. Affected: yes. Observed: 2 variant alleles. Study: University Clinical Cooperation “985 Project” PKU-2014-1-1.
Comment: Dravet syndrome (DS) probands were recruited from the outpatient and inpatient child neurology units of Peking University First Hospital from 2005 till present. The study was approved by the Ethics Committee of Peking University First Hospital and the Institutional Review Board at Peking University. Participants or their parents provided written informed consent before enrollment. We collected a total of 267 mutations from 255 families with probands diagnosed with DS in China. All probands fulfilled the clinical diagnostic criteria.

UniProtKB/Swiss-Prot
No classification provided. Condition: Severe myoclonic epilepsy in infancy. Review status: no classification provided. Collection method: not provided. Allele origin: germline. Not counted in ClinVar's aggregate classification.

Literature cited by the submitters: PubMed 31780880 (cited by Variantyx, Inc.); PubMed 20522430 (cited by Variantyx, Inc. and Labcorp Genetics (formerly Invitae), Labcorp); PubMed 32183904 (cited by Variantyx, Inc.); PubMed 18930999 (cited by Labcorp Genetics (formerly Invitae), Labcorp); PubMed 17561957 (cited by Labcorp Genetics (formerly Invitae), Labcorp).